The following is an entry in ClinVar:

ClinVar aggregate classification (germline): Conflicting classifications of pathogenicity. Review status: criteria provided, conflicting classifications (1 of 4 stars). 3 submissions from 3 submitters: Uncertain significance (1); Benign (1). 1 of the submissions does not count toward it. Last evaluated 2023-11-28.

Conditions:
Achondrogenesis, type IA (ACG1A). Identifiers: Orphanet 932, Orphanet 93299, MedGen C0265273, MONDO:0008701, OMIM 200600.
TRIP11-related disorder. Also called: TRIP11-related condition; TRIP11-Related Disorders.

Submissions (3):

Labcorp Genetics (formerly Invitae), Labcorp
Classification: Benign for Achondrogenesis, type IA. Last evaluated: 2023-11-28. Review status: criteria provided, single submitter. Criteria: Invitae Variant Classification Sherloc (09022015). Collection method: clinical testing. Allele origin: germline.

Eurofins Ntd Llc (ga)
Classification: Uncertain significance. Last evaluated: 2015-01-20. Review status: criteria provided, single submitter. Criteria: EGL Classification Definitions 2015. Collection method: clinical testing. Allele origin: germline. Observed: 1 variant allele, 1 heterozygote.

PreventionGenetics, part of Exact Sciences
Classification: Likely benign for TRIP11-related condition. Last evaluated: 2020-01-23. Review status: no assertion criteria provided. Collection method: clinical testing. Allele origin: germline. Not counted in ClinVar's aggregate classification.
Comment: This variant is classified as likely benign based on ACMG/AMP sequence variant interpretation guidelines (Richards et al. 2015 PMID: 25741868, with internal and published modifications).

NM_004239.4(TRIP11):c.4892+10del

Gene: TRIP11 (thyroid hormone receptor interactor 11; minus strand). Cytogenetic location: 14q32.12.
Variant type: Deletion.
Coding change: c.4892+10del on transcript NM_004239.4 (MANE Select); 10 bases into the intron after coding-DNA position 4892, one base deleted (T; older notation c.4892+10delT).
Molecular consequence: intron variant.
Genome position (GRCh38, 1-based): chr14:91,999,230, A deleted on the plus strand (T on the coding strand, the reverse complement: TRIP11 is on the minus strand); the first of 6 consecutive A bases (chr14:91,999,230-91,999,235); deleting any one gives the same sequence. VCF-style (leftmost placement, unchanged base first): chr14-91999229-GA-G. GRCh37 (hg19) VCF-style: chr14-92465573-GA-G.
Other names: c.4889+10del (NM_001321851.1); c.4892+10delT (NM_004239.4).
Identifiers: ClinVar variation 194216 (VCV000194216.11), dbSNP rs794727098, ClinGen allele CA240080.